The following is an entry in ClinVar:

NM_001384732.1(CPLANE1):c.8909C>G (p.Ala2970Gly)

Gene: CPLANE1 (ciliogenesis and planar polarity effector complex subunit 1; minus strand). Cytogenetic location: 5p13.2.
Variant type: single nucleotide variant.
Coding change: c.8909C>G on transcript NM_001384732.1 (MANE Select); coding-DNA position 8909, C replaced by G.
Protein change: p.Ala2970Gly; replaces alanine 2970 with glycine.
Molecular consequence: missense variant.
Genome position (GRCh38, 1-based): chr5:37,125,293, G>C on the plus strand (C>G on the coding strand, the complement: CPLANE1 is on the minus strand). VCF-style: chr5-37125293-G-C. GRCh37 (hg19) VCF-style: chr5-37125395-G-C.
Other names: c.8747C>G, p.Ala2916Gly (NM_023073.4); short protein forms A2970G, A2916G.
Identifiers: ClinVar variation 1944021 (VCV001944021.5), dbSNP rs1192066775, ClinGen allele CA359498781.
Genomic context (GRCh38, chr5:37,125,293, plus strand): 5'-GGCAGACTTACTGGATTGCTTCTGGGACAGAAAGGATCATGTTCTTGCCCTCTCTTTTCT[G>C]CCAGCTCATTTAAGTACTTTGCCATTCTTTCTTTTCGTTTTCTTTTCATCCAGGCTTGAA-3'
Protein context (NP_001371661.1, residues 2960-2980): ERMAKYLNEL[Ala2970Gly]EKRGQEHDPF

ClinVar aggregate classification (germline): Uncertain significance (1 of 4 stars; one submission).

gnomAD v4.1: 2 of 1,613,842 alleles (0.00012%); highest among the groups gnomAD compares: South Asian, 0.0022%; no homozygotes.

Submission:

Labcorp Genetics (formerly Invitae), Labcorp
Classification: Uncertain significance. Last evaluated: 2022-08-16. Review status: criteria provided, single submitter. Criteria: Invitae Variant Classification Sherloc (09022015). Collection method: clinical testing. Allele origin: germline.
Comment: In summary, the available evidence is currently insufficient to determine the role of this variant in disease. Therefore, it has been classified as a Variant of Uncertain Significance. Advanced modeling of protein sequence and biophysical properties (such as structural, functional, and spatial information, amino acid conservation, physicochemical variation, residue mobility, and thermodynamic stability) performed at Invitae indicates that this missense variant is not expected to disrupt CPLANE1 protein function. This variant has not been reported in the literature in individuals affected with CPLANE1-related conditions. This variant is not present in population databases (gnomAD no frequency). This sequence change replaces alanine, which is neutral and non-polar, with glycine, which is neutral and non-polar, at codon 2916 of the CPLANE1 protein (p.Ala2916Gly).